The following is an entry in ClinVar:

ClinVar aggregate classification (germline): Uncertain significance (1 of 4 stars; one submission).

gnomAD v4.1: 5 of 1,106,874 alleles (0.00045%); highest among the groups gnomAD compares: East Asian, 0.005%; no homozygotes.

Submission:

Labcorp Genetics (formerly Invitae), Labcorp
Classification: Uncertain significance. Last evaluated: 2025-01-12. Review status: criteria provided, single submitter. Criteria: Invitae Variant Classification Sherloc (09022015). Collection method: clinical testing. Allele origin: germline.
Comment: This sequence change replaces glycine, which is neutral and non-polar, with glutamic acid, which is acidic and polar, at codon 19 of the ADCY1 protein (p.Gly19Glu). The frequency data for this variant in the population databases is considered unreliable, as metrics indicate insufficient coverage at this position in the gnomAD database. This variant has not been reported in the literature in individuals affected with ADCY1-related conditions. Experimental studies and prediction algorithms are not available or were not evaluated, and the functional significance of this variant is currently unknown. In summary, the available evidence is currently insufficient to determine the role of this variant in disease. Therefore, it has been classified as a Variant of Uncertain Significance.

NM_021116.4(ADCY1):c.56G>A (p.Gly19Glu)

Gene: ADCY1 (adenylate cyclase 1; plus strand). Cytogenetic location: 7p12.3.
Variant type: single nucleotide variant.
Coding change: c.56G>A on transcript NM_021116.4 (MANE Select); coding-DNA position 56, G replaced by A.
Protein change: p.Gly19Glu; replaces glycine 19 with glutamic acid.
Molecular consequence: missense variant. On other transcripts: intron variant (1).
Genome position (GRCh38, 1-based): chr7:45,574,599, G>A. VCF-style: chr7-45574599-G-A. GRCh37 (hg19) VCF-style: chr7-45614198-G-A.
Other names: c.-330-290G>A (NM_001281768.2); short protein forms G19E.
Identifiers: ClinVar variation 3621742 (VCV003621742.2).
Genomic context (GRCh38, chr7:45,574,599, plus strand): 5'-CTGAGATGGCGGGGGCGCCGCGCGGCGGAGGCGGCGGCGGAGGCGGCGCGGGCGAGCCCG[G>A]GGGCGCCGAGCGGGCGGCCGGGACAAGCCGCCGGCGCGGGCTCCGGGCGTGCGACGAGGA-3'
Protein context (NP_066939.1, residues 9-29): GGGGGGAGEP[Gly19Glu]GAERAAGTSR